The following is an entry in ClinVar:

NM_001042472.3(ABHD12):c.186G>T (p.Leu62=)

Gene: ABHD12 (abhydrolase domain containing 12, lysophospholipase; minus strand). Cytogenetic location: 20p11.21.
Variant type: single nucleotide variant.
Coding change: c.186G>T on transcript NM_001042472.3 (MANE Select); coding-DNA position 186, G replaced by T.
Protein change: p.Leu62=; no amino-acid change (leucine 62 retained).
Molecular consequence: synonymous variant.
Genome position (GRCh38, 1-based): chr20:25,390,518, C>A on the plus strand (G>T on the coding strand, the complement: ABHD12 is on the minus strand). VCF-style: chr20-25390518-C-A. GRCh37 (hg19) VCF-style: chr20-25371154-C-A.
Other names: c.186G>T, p.Leu62= (NM_015600.5).
Identifiers: ClinVar variation 4534009 (VCV004534009.6).

ClinVar aggregate classification (germline): Likely benign (1 of 4 stars; one submission).

gnomAD v4.1: 1 of 1,463,508 alleles (0.000068%); highest among the groups gnomAD compares: Non-Finnish European, 0.00009%; no homozygotes.

Submission:

CeGaT Center for Human Genetics Tuebingen
Classification: Likely benign. Last evaluated: 2025-11-01. Review status: criteria provided, single submitter. Criteria: CeGaT Center For Human Genetics Tuebingen Variant Classification Criteria Version 2. Collection method: clinical testing. Allele origin: germline. Affected: yes. Observed: 1 variant allele.
Comment: ABHD12: BP4, BP7